The following is an entry in ClinVar:

ClinVar aggregate classification (germline): Uncertain significance (1 of 4 stars; one submission).

Conditions:
Myopathy, proximal, and ophthalmoplegia (CMYO6). Also called: MYOPATHY WITH CONGENITAL JOINT CONTRACTURES, OPHTHALMOPLEGIA, AND RIMMED VACUOLES; CONGENITAL MYOPATHY 6 WITH OPHTHALMOPLEGIA; INCLUSION BODY MYOPATHY 3, AUTOSOMAL DOMINANT. Identifiers: Orphanet 363677, Orphanet 79091, MedGen C1854106, MONDO:0011577, OMIM 605637.

Submission:

Victorian Clinical Genetics Services, Murdoch Childrens Research Institute
Classification: Uncertain significance for Myopathy, proximal, and ophthalmoplegia. Last evaluated: 2021-05-06. Review status: criteria provided, single submitter. Criteria: ACMG Guidelines, 2015. Collection method: clinical testing. Allele origin: germline. Affected: yes.
Comment: Based on the classification scheme VCGS_Germline_v1.3.4, this variant is classified as VUS-3C. Following criteria are met: 0102 - Loss of function is a known mechanism of disease in this gene and is associated with autosomal recessive proximal myopathy and ophthalmoplegia (MIM#605637). Dominant negative is a suspected mechanism for dominant disease, however, more functional studies are required (PMID: 11114175, PMID: 20418530). (I) 0108 - This gene is associated with both recessive and dominant disease. Variants that result in a premature termination codon have been reported to cause recessive disease, while missense have been reported for both dominant and recessive disease (OMIM, PMID: 20418530). (I) 0200 - Variant is predicted to result in a missense amino acid change from valine to isoleucine. (I) 0251 - This variant is heterozygous. (I) 0301 - Variant is absent from gnomAD (both v2 and v3). (SP) 0503 - Missense variant consistently predicted to be tolerated by multiple in silico tools or not conserved in placental mammals with a minor amino acid change. (SB) 0600 - Variant is located in the annotated myosin motor domain (Uniprot, NCBI). (I) 0705 - No comparable missense variants have previous evidence for pathogenicity. (I) 0807 - This variant has no previous evidence of pathogenicity. (I) 0905 - No published segregation evidence has been identified for this variant. (I) 1007 - No published functional evidence has been identified for this variant. (I) 1208 - Inheritance information for this variant is not currently available in this individual. (I) Legend: (SP) - Supporting pathogenic, (I) - Information, (SB) - Supporting benign

Literature cited by the submitters: PubMed 11114175; PubMed 20418530.

NM_017534.6(MYH2):c.1714G>A (p.Val572Ile)

Genes: MYH2 (myosin heavy chain 2; minus strand), MYHAS (myosin heavy chain gene cluster antisense RNA; plus strand). Cytogenetic location: 17p13.1.
Variant type: single nucleotide variant.
Coding change: c.1714G>A on transcript NM_017534.6 (MANE Select); coding-DNA position 1714, G replaced by A.
Protein change: p.Val572Ile; replaces valine 572 with isoleucine.
Molecular consequence: missense variant.
Genome position (GRCh38, 1-based): chr17:10,537,416, C>T on the plus strand (G>A on the coding strand, the complement: MYH2 is on the minus strand). VCF-style: chr17-10537416-C-T. GRCh37 (hg19) VCF-style: chr17-10440733-C-T.
Other names: c.1714G>A, p.Val572Ile (NM_001100112.2); short protein forms V572I.
Identifiers: ClinVar variation 3376860 (VCV003376860.1).